The following is an entry in ClinVar:

NM_032119.4(ADGRV1):c.956dup (p.Asn319fs)

Gene: ADGRV1 (adhesion G protein-coupled receptor V1; plus strand). Cytogenetic location: 5q14.3.
Variant type: Duplication.
Coding change: c.956dup on transcript NM_032119.4 (MANE Select); coding-DNA position 956, one base duplicated (A; older notation c.956dupA).
Protein change: p.Asn319fs; shifts the reading frame from asparagine 319.
Molecular consequence: frameshift variant. On other transcripts: non-coding transcript variant (1).
Genome position (GRCh38, 1-based): chr5:90,627,494, A duplicated; the last of 4 consecutive A bases (chr5:90,627,491-90,627,494); duplicating any one gives the same sequence. VCF-style (leftmost placement, unchanged base first): chr5-90627490-C-CA. GRCh37 (hg19) VCF-style: chr5-89923307-C-CA.
Other names: c.956dup (NM_032119.3); short protein forms N319fs.
Identifiers: ClinVar variation 372373 (VCV000372373.17), dbSNP rs752179149, ClinGen allele CA3338585.

ClinVar aggregate classification (germline): Pathogenic. Review status: criteria provided, multiple submitters, no conflicts (2 of 4 stars). 6 submissions from 6 submitters: Pathogenic (6). Last evaluated 2024-11-11.

Conditions:
Febrile seizures, familial, 4 (FEB4). Also called: CONVULSIONS, FAMILIAL FEBRILE, 4. Identifiers: MedGen C1858493, MONDO:0011443, OMIM 604352.
Usher syndrome type 2C. Also called: Usher syndrome, type 2B; USHER SYNDROME, TYPE IIC. Identifiers: Orphanet 231178, Orphanet 886, MedGen C2931213, MONDO:0011558, OMIM 605472.
ADGRV1-related disorder. Also called: ADGRV1-related disorders; ADGRV1-related condition.

Submissions (6):

PreventionGenetics, part of Exact Sciences
Classification: Pathogenic for ADGRV1-related condition. Last evaluated: 2024-11-11. Review status: criteria provided, single submitter. Criteria: ACMG Guidelines, 2015. Collection method: clinical testing. Allele origin: germline.
Comment: The ADGRV1 c.956dupA variant is predicted to result in a frameshift and premature protein termination (p.Asn319Lysfs*6). This variant was reported in individuals with Usher syndrome (see, for example, supplementary data, Consugar et al. 2015. PubMed ID: 25412400, gene reported as GPR98; supplenetary data, Sloan-Heggen et al. 2016. PubMed ID: 26969326)). This variant is reported in 0.0023% of alleles in individuals of European (Non-Finnish) descent in gnomAD. Frameshift variants in ADGRV1 are expected to be pathogenic. This variant is interpreted as pathogenic.

Blueprint Genetics
Classification: Pathogenic for ADGRV1-related disorders. Last evaluated: 2024-05-22. Review status: criteria provided, single submitter. Criteria: ACMG Guidelines, 2015. Collection method: clinical testing. Allele origin: germline. Affected: yes. Observed: 5 variant alleles.

Fulgent Genetics
Classification: Pathogenic for Febrile seizures, familial, 4; Usher syndrome type 2C. Last evaluated: 2024-04-03. Review status: criteria provided, single submitter. Criteria: ACMG Guidelines, 2015. Collection method: clinical testing. Allele origin: germline.

Labcorp Genetics (formerly Invitae), Labcorp
Classification: Pathogenic. Last evaluated: 2024-01-18. Review status: criteria provided, single submitter. Criteria: Invitae Variant Classification Sherloc (09022015). Collection method: clinical testing. Allele origin: germline.
Comment: This sequence change creates a premature translational stop signal (p.Asn319Lysfs*6) in the ADGRV1 gene. It is expected to result in an absent or disrupted protein product. Loss-of-function variants in ADGRV1 are known to be pathogenic (PMID: 19357117, 22135276, 22147658, 26226137, 30718709, 31047384, 32467589). This variant is present in population databases (rs752179149, gnomAD 0.002%). This premature translational stop signal has been observed in individuals with Usher syndrome (PMID: 25412400, 26969326). ClinVar contains an entry for this variant (Variation ID: 372373). For these reasons, this variant has been classified as Pathogenic.

GeneDx
Classification: Pathogenic. Last evaluated: 2021-11-10. Review status: criteria provided, single submitter. Criteria: GeneDx Variant Classification Process June 2021. Collection method: clinical testing. Allele origin: germline. Affected: yes.
Comment: Frameshift variant predicted to result in protein truncation or nonsense mediated decay in a gene for which loss-of-function is a known mechanism of disease; Not observed at a significant frequency in large population cohorts (Lek et al., 2016); This variant is associated with the following publications: (PMID: 25412400, 26969326, 31589614)

INGEBI, INGEBI / CONICET
Classification: Pathogenic for Usher syndrome type 2C. Last evaluated: 2021-07-15. Review status: criteria provided, single submitter. Criteria: ClinGen HL ACMG Specifications v1. Collection method: clinical testing. Allele origin: germline. Inheritance: Autosomal recessive inheritance. Affected: yes. Observed: 1 variant allele, 1 compound heterozygote.
Comment: Based on ACMG/AMP guidelines and Hearing Loss Expert Panel specific criteria:The c.956dup variant in ADGRV1 gene is predicted to cause a premature stop codon in biologically-relevant-exon 7/90 that leads to a truncated or absent protein in a gene in which loss-of-function is an established mechanism, NMD is predcited to occur, (PVS1). The variant is only present in european non-finnsih population (3/128336 alleles, 0.0006% with 95% CI) meeting PM2. There is another report in which c.956 dup variant was detect in trans with a VUS, hence this evidence was not counted (PMID: 26969326). Taking all the information together together :PVS1, PM2, PM3, PP1_Sup, PP4, c.956dup A is classified as Pathogenic for Usher Syndrome.

Literature cited by the submitters: PubMed 19357117 (cited by Labcorp Genetics (formerly Invitae), Labcorp); PubMed 22135276 (cited by Labcorp Genetics (formerly Invitae), Labcorp); PubMed 22147658 (cited by Labcorp Genetics (formerly Invitae), Labcorp); PubMed 26226137 (cited by Labcorp Genetics (formerly Invitae), Labcorp); PubMed 30718709 (cited by Labcorp Genetics (formerly Invitae), Labcorp); PubMed 31047384 (cited by Labcorp Genetics (formerly Invitae), Labcorp); PubMed 32467589 (cited by Labcorp Genetics (formerly Invitae), Labcorp); PubMed 25412400 (cited by Labcorp Genetics (formerly Invitae), Labcorp); PubMed 26969326 (cited by Labcorp Genetics (formerly Invitae), Labcorp).